The following is an entry in ClinVar:

ClinVar aggregate classification (germline): Likely benign (1 of 4 stars; one submission).

Conditions:
DNMT1-related disorder. Also called: DNMT1-related condition. Identifiers: MedGen CN381527.

gnomAD v4.1: 9 of 1,611,228 alleles (0.00056%); highest among the groups gnomAD compares: East Asian, 0.013%; no homozygotes.

Submission:

PreventionGenetics, part of Exact Sciences
Classification: Likely benign for DNMT1-related condition. Last evaluated: 2025-08-19. Review status: criteria provided, single submitter. Criteria: ACMG Guidelines, 2015. Collection method: clinical testing. Allele origin: germline.
Comment: This variant is classified as likely benign based on ACMG/AMP sequence variant interpretation guidelines (Richards et al. 2015 PMID: 25741868, with internal and published modifications).

NM_001130823.3(DNMT1):c.117+9C>T

Genes: DNMT1 (DNA methyltransferase 1; minus strand), LOC107080555 (origin of replication in DNMT1; plus strand). Cytogenetic location: 19p13.2.
Variant type: single nucleotide variant.
Coding change: c.117+9C>T on transcript NM_001130823.3 (MANE Select); 9 bases into the intron after coding-DNA position 117, C replaced by T.
Molecular consequence: intron variant.
Genome position (GRCh38, 1-based): chr19:10,182,032, G>A on the plus strand (C>T on the coding strand, the complement: DNMT1 is on the minus strand). VCF-style: chr19-10182032-G-A. GRCh37 (hg19) VCF-style: chr19-10292708-G-A.
Other names: c.-207+9C>T (NM_001318731.2); c.117+9C>T (NM_001379.4, NM_001318730.2).
Identifiers: ClinVar variation 4981692 (VCV004981692.1).